The following is an entry in ClinVar:

NM_007294.4(BRCA1):c.5221G>C (p.Val1741Leu)

Gene: BRCA1 (BRCA1 DNA repair associated; minus strand). Cytogenetic location: 17q21.31.
Variant type: single nucleotide variant.
Coding change: c.5221G>C on transcript NM_007294.4 (MANE Select); coding-DNA position 5221, G replaced by C.
Protein change: p.Val1741Leu; replaces valine 1741 with leucine.
Molecular consequence: missense variant. On other transcripts: non-coding transcript variant (1).
Genome position (GRCh38, 1-based): chr17:43,057,108, C>G on the plus strand (G>C on the coding strand, the complement: BRCA1 is on the minus strand). VCF-style: chr17-43057108-C-G. GRCh37 (hg19) VCF-style: chr17-41209125-C-G.
Other names: c.2614G>C, p.Val872Leu (NM_001407969.1); c.1978G>C, p.Val660Leu (NM_001407970.1, NM_001407971.1); c.1975G>C, p.Val659Leu (NM_001407972.1); c.1912G>C, p.Val638Leu (NM_001407973.1, NM_001407974.1, NM_001407975.1 and 3 more transcripts); c.1909G>C, p.Val637Leu (NM_001407984.1, NM_001407985.1, NM_001407986.1 and 13 more transcripts); c.1906G>C, p.Val636Leu (NM_001408392.1, NM_001408396.1, NM_001408473.1 and 8 more transcripts); c.1903G>C, p.Val635Leu (NM_001408408.1, NM_001408406.1, NM_001408407.1); c.1900G>C, p.Val634Leu (NM_001408409.1); and 72 more; short protein forms V637L, V1694L, V1741L, V1762L, V1671L, V1673L, V1697L, V1700L.
Identifiers: ClinVar variation 867859 (VCV000867859.3), dbSNP rs876659122, ClinGen allele CA10591101.

Conditions:
Breast-ovarian cancer, familial, susceptibility to, 1 (BROVCA1). Also called: BRCA1 Hereditary Breast and Ovarian Cancer; OVARIAN CANCER, SUSCEPTIBILITY TO. Identifiers: Orphanet 145, MedGen C2676676, MONDO:0011450, OMIM 604370. Disease mechanism: loss of function.

Submission:

Brotman Baty Institute, University of Washington
No classification provided (evidence only). Condition: Breast-ovarian cancer, familial 1. Review status: no classification provided. Collection method: in vitro. Allele origin: not applicable. Functional consequence: function_uncertain_variant.
ClinVar note: "not provided" was previously submitted as the classification for the variant. However, the classification appeared to be based only on an observation of functional data so it was converted to no classification on 2025-07-30.